The following is an entry in ClinVar:

NM_203407.3(EZHIP):c.634_635delinsTT (p.Ala212Phe)

Gene: EZHIP (EZH inhibitory protein; plus strand). Cytogenetic location: Xp11.22.
Variant type: Indel.
Coding change: c.634_635delinsTT on transcript NM_203407.3 (MANE Select); coding-DNA positions 634 to 635, GC replaced by TT.
Protein change: p.Ala212Phe; replaces alanine 212 with phenylalanine.
Molecular consequence: missense variant.
Genome position (GRCh38, 1-based): chrX:51,407,650-51,407,651, GC replaced by TT. VCF-style: chrX-51407650-GC-TT. GRCh37 (hg19) VCF-style: chrX-51150502-GC-TT.
Other names: short protein forms A212F.
Identifiers: ClinVar variation 4530057 (VCV004530057.1).
Genomic context (GRCh38, chrX:51,407,650, plus strand): 5'-TCGAGTCAGGCAACCCAGCCAGGCCCTGCACTCCTAAGCCACGCATCTGAGGCAAGGCCT[GC>TT]TACCCGAAGCCGCATCACCCTGGTAGCTTCTGCTCTCCGCAGACGTGCATCTGGTCCAGG-3'
Protein context (NP_981952.1, residues 202-222): LLSHASEARP[Ala212Phe]TRSRITLVAS

ClinVar aggregate classification (somatic clinical impact): Tier II - Potential (1 of 4 stars; one submission).

Conditions:
Ependymoma. Also called: Ependymoma, familial; Clear cell ependymoma (histologic variant); Papillary ependymoma (histologic variant); Cellular ependymoma (histologic variant); Tanycytic ependymoma (histologic variant). Identifiers: Orphanet 251636, MedGen C0014474, MeSH D004806, MONDO:0016698, HP:0002888.

Submission:

Institute for Genomic Medicine (IGM) Clinical Laboratory, Nationwide Children's Hospital
Classification: Tier II - Potential for Ependymoma. Assertion type: diagnostic. Clinical significance: supports diagnosis. Last evaluated: 2025-05-09. Review status: criteria provided, single submitter. Criteria: AMP/ASCO/CAP Guidelines, 2017. Collection method: clinical testing. Allele origin: somatic. Affected: yes.
Comment: Variant has Tier II (potential) clinical significance as a diagnostic inclusion criterion in ependymoma, based on the following evidence: 1) Appears in one or more well-established professional guidelines (e.g., World Health Organization [WHO]; National Comprehensive Cancer Network [NCCN]) as providing diagnostic, prognostic, or therapeutic information. 2) Diagnostic significance based on multiple small studies (Evidence Level C; PMIDs: 29909548, 31086175, 33049227, 34762160).

Literature cited by the submitters: PubMed 29909548; PubMed 31086175; PubMed 33049227; PubMed 34762160.